The following is an entry in ClinVar:

NM_001083926.2(ASRGL1):c.691G>T (p.Ala231Ser)

Gene: ASRGL1 (asparaginase and isoaspartyl peptidase 1; plus strand). Cytogenetic location: 11q12.3.
Variant type: single nucleotide variant.
Coding change: c.691G>T on transcript NM_001083926.2 (MANE Select); coding-DNA position 691, G replaced by T.
Protein change: p.Ala231Ser; replaces alanine 231 with serine.
Molecular consequence: missense variant.
Genome position (GRCh38, 1-based): chr11:62,391,602, G>T. VCF-style: chr11-62391602-G-T. GRCh37 (hg19) VCF-style: chr11-62159074-G-T.
Other names: c.691G>T, p.Ala231Ser (NM_025080.4); short protein forms A231S.
Identifiers: ClinVar variation 1052896 (VCV001052896.9), dbSNP rs139765658, ClinGen allele CA6043308.

ClinVar aggregate classification (germline): Uncertain significance (1 of 4 stars; one submission).

Allele frequency attached by ClinVar (database versions not stated): gnomAD exomes 0.00004; ExAC 0.00006; TOPMed 0.00010; gnomAD 0.00011; ESP Exome Variant Server 0.00023.

Submission:

Labcorp Genetics (formerly Invitae), Labcorp
Classification: Uncertain significance. Last evaluated: 2025-05-19. Review status: criteria provided, single submitter. Criteria: Invitae Variant Classification Sherloc (09022015). Collection method: clinical testing. Allele origin: germline.
Comment: This sequence change replaces alanine, which is neutral and non-polar, with serine, which is neutral and polar, at codon 231 of the ASRGL1 protein (p.Ala231Ser). This variant is present in population databases (rs139765658, gnomAD 0.01%). This variant has not been reported in the literature in individuals affected with ASRGL1-related conditions. ClinVar contains an entry for this variant (Variation ID: 1052896). An algorithm developed to predict the effect of missense changes on protein structure and function (PolyPhen-2) suggests that this variant is likely to be disruptive. In summary, the available evidence is currently insufficient to determine the role of this variant in disease. Therefore, it has been classified as a Variant of Uncertain Significance.